The following is an entry in ClinVar:

NM_001394062.1(MACF1):c.16413T>G (p.Leu5471=)

Gene: MACF1 (microtubule actin crosslinking factor 1; plus strand). Cytogenetic location: 1p34.3.
Variant type: single nucleotide variant.
Coding change: c.16413T>G on transcript NM_001394062.1 (MANE Select); coding-DNA position 16413, T replaced by G.
Protein change: p.Leu5471=; no amino-acid change (leucine 5471 retained).
Molecular consequence: synonymous variant.
Genome position (GRCh38, 1-based): chr1:39,427,551, T>G. VCF-style: chr1-39427551-T-G. GRCh37 (hg19) VCF-style: chr1-39893223-T-G.
Other names: c.4809T>G, p.Leu1603= (NM_001397473.1); c.10227T>G, p.Leu3409= (NM_012090.5).
Identifiers: ClinVar variation 2060912 (VCV002060912.7), dbSNP rs114556513, ClinGen allele CA783347.
Genomic context (GRCh38, chr1:39,427,551, plus strand): 5'-ACAGTTCCATGAGACAGCTGAGCCTATTTCTGACTTCTTATCTGTCACAGAGAAAAAGCT[T>G]GCTAACTCAGAACCTGTTGGCACTCAGACTGCCAAAATACAGCAGCAGATCATTCGGCAC-3'
Protein context (NP_001380991.1, residues 5461-5481): SDFLSVTEKK[Leu5471=]ANSEPVGTQT

ClinVar aggregate classification (germline): Benign/Likely benign. Review status: criteria provided, multiple submitters, no conflicts (2 of 4 stars). 3 submissions from 3 submitters: Benign (1); Likely benign (1). 1 of the submissions does not count toward it. Last evaluated 2025-12-01.

Conditions:
MACF1-related disorder. Also called: MACF1-related condition.

Allele frequency attached by ClinVar (database versions not stated): gnomAD exomes 0.00032; ExAC 0.00088; gnomAD 0.00329; 1000 Genomes Project 0.00339; 1000 Genomes Project 30x 0.00344; ESP Exome Variant Server 0.00361; TOPMed 0.00371.
gnomAD v4.1: 981 of 1,614,070 alleles (0.061%); highest among the groups gnomAD compares: African/African-American, 1.2%; 3 homozygotes.

Submissions (3):

Labcorp Genetics (formerly Invitae), Labcorp
Classification: Benign. Last evaluated: 2025-12-01. Review status: criteria provided, single submitter. Criteria: Invitae Variant Classification Sherloc (09022015). Collection method: clinical testing. Allele origin: germline.

Blueprint Genetics
Classification: Likely benign. Last evaluated: 2024-11-11. Review status: criteria provided, single submitter. Criteria: ACMG Guidelines, 2015. Collection method: clinical testing. Allele origin: germline.

PreventionGenetics, part of Exact Sciences
Classification: Benign for MACF1-related condition. Last evaluated: 2019-12-20. Review status: no assertion criteria provided. Collection method: clinical testing. Allele origin: germline. Not counted in ClinVar's aggregate classification.
Comment: This variant is classified as benign based on ACMG/AMP sequence variant interpretation guidelines (Richards et al. 2015 PMID: 25741868, with internal and published modifications).